The following is an entry in ClinVar:

NM_000113.3(TOR1A):c.748+234C>T

Gene: TOR1A (torsin family 1 member A; minus strand). Cytogenetic location: 9q34.11.
Variant type: single nucleotide variant.
Coding change: c.748+234C>T on transcript NM_000113.3 (MANE Select); 234 bases into the intron after coding-DNA position 748, C replaced by T.
Molecular consequence: intron variant.
Genome position (GRCh38, 1-based): chr9:129,818,286, G>A on the plus strand (C>T on the coding strand, the complement: TOR1A is on the minus strand). VCF-style: chr9-129818286-G-A. GRCh37 (hg19) VCF-style: chr9-132580565-G-A.
Identifiers: ClinVar variation 2659575 (VCV002659575.24), dbSNP rs765713432, ClinGen allele CA200535015.
Genomic context (GRCh38, chr9:129,818,286, plus strand): 5'-CCGGGAGGCAGAGGTTGCAGTGAGGCAAGGTTACGCCACTGCACTCCAGCCTAGGTGACA[G>A]AGTAAAACTATCTGAAAAATAAAAATAAAACAGCACTTGTCAAACATTAGTGTTCATAAA-3'

ClinVar aggregate classification (germline): Likely benign (1 of 4 stars; one submission).

Allele frequency attached by ClinVar (database versions not stated): gnomAD exomes 0.00002; TOPMed 0.00002; gnomAD 0.00004.
gnomAD v4.1: 16 of 613,050 alleles (0.0026%); highest among the groups gnomAD compares: Non-Finnish European, 0.0045%; no homozygotes.

Submission:

CeGaT Center for Human Genetics Tuebingen
Classification: Likely benign. Last evaluated: 2023-08-01. Review status: criteria provided, single submitter. Criteria: CeGaT Center For Human Genetics Tuebingen Variant Classification Criteria Version 2. Collection method: clinical testing. Allele origin: germline. Affected: yes. Observed: 1 variant allele.
Comment: TOR1A: BP4, BP7